The following is an entry in ClinVar:

ClinVar aggregate classification (germline): Pathogenic/Likely pathogenic. Review status: criteria provided, multiple submitters, no conflicts (2 of 4 stars). 3 submissions from 3 submitters: Pathogenic (2); Likely pathogenic (1). Last evaluated 2025-01-29.

Conditions:
Glutaric aciduria, type 1. Also called: Glutaric Acidemia Type 1; Glutaryl-CoA dehydrogenase deficiency; Glutaricaciduria, type I; Glutaric acidemia type I; GA I; Glutaricacidemia Type 1. Identifiers: Orphanet 25, MedGen C0268595, MONDO:0009281, OMIM 231670.

Submissions (3):

Labcorp Genetics (formerly Invitae), Labcorp
Classification: Pathogenic for Glutaric aciduria, type 1. Last evaluated: 2025-01-29. Review status: criteria provided, single submitter. Criteria: Invitae Variant Classification Sherloc (09022015). Collection method: clinical testing. Allele origin: germline.
Comment: This sequence change creates a premature translational stop signal (p.Gln251*) in the GCDH gene. It is expected to result in an absent or disrupted protein product. Loss-of-function variants in GCDH are known to be pathogenic (PMID: 10699052, 11854167, 16602100). This variant is not present in population databases (gnomAD no frequency). This variant has not been reported in the literature in individuals affected with GCDH-related conditions. ClinVar contains an entry for this variant (Variation ID: 577874). For these reasons, this variant has been classified as Pathogenic.

Baylor Genetics
Classification: Likely pathogenic for Glutaric aciduria, type 1. Last evaluated: 2023-11-24. Review status: criteria provided, single submitter. Criteria: ACMG Guidelines, 2015. Collection method: clinical testing. Allele origin: unknown.

Clinical Genetics Service, Universitary Hospital 12 de Octubre
Classification: Pathogenic for Glutaric aciduria, type 1. Review status: criteria provided, single submitter. Criteria: ACMG Guidelines, 2015. Collection method: clinical testing. Allele origin: maternal. Affected: yes.

Literature cited by the submitters: PubMed 10699052 (cited by Labcorp Genetics (formerly Invitae), Labcorp); PubMed 11854167 (cited by Labcorp Genetics (formerly Invitae), Labcorp); PubMed 16602100 (cited by Labcorp Genetics (formerly Invitae), Labcorp).

NM_000159.4(GCDH):c.751C>T (p.Gln251Ter)

Gene: GCDH (glutaryl-CoA dehydrogenase; plus strand). Cytogenetic location: 19p13.13.
Variant type: single nucleotide variant.
Coding change: c.751C>T on transcript NM_000159.4 (MANE Select); coding-DNA position 751, C replaced by T.
Protein change: p.Gln251Ter; replaces glutamine 251 with a stop codon.
Molecular consequence: nonsense. On other transcripts: non-coding transcript variant (2).
Genome position (GRCh38, 1-based): chr19:12,896,320, C>T. VCF-style: chr19-12896320-C-T. GRCh37 (hg19) VCF-style: chr19-13007134-C-T.
Other names: c.751C>T, p.Gln251Ter (NM_013976.5); short protein forms Q251*.
Identifiers: ClinVar variation 577874 (VCV000577874.9), dbSNP rs1008834111, ClinGen allele CA305500648.